The following is an entry in ClinVar:

NM_005560.6(LAMA5):c.682G>A (p.Gly228Arg)

Gene: LAMA5 (laminin subunit alpha 5; minus strand). Cytogenetic location: 20q13.33.
Variant type: single nucleotide variant.
Coding change: c.682G>A on transcript NM_005560.6 (MANE Select); coding-DNA position 682, G replaced by A.
Protein change: p.Gly228Arg; replaces glycine 228 with arginine.
Molecular consequence: missense variant.
Genome position (GRCh38, 1-based): chr20:62,352,247, C>T on the plus strand (G>A on the coding strand, the complement: LAMA5 is on the minus strand). VCF-style: chr20-62352247-C-T. GRCh37 (hg19) VCF-style: chr20-60927303-C-T.
Other names: short protein forms G228R.
Identifiers: ClinVar variation 1938421 (VCV001938421.5), dbSNP rs746521520, ClinGen allele CA9944351.

ClinVar aggregate classification (germline): Uncertain significance (1 of 4 stars; one submission).

Allele frequency attached by ClinVar (database versions not stated): TOPMed below 0.00001; gnomAD 0.00001; gnomAD exomes 0.00001; ExAC 0.00002.

Submission:

Labcorp Genetics (formerly Invitae), Labcorp
Classification: Uncertain significance. Last evaluated: 2024-03-12. Review status: criteria provided, single submitter. Criteria: Invitae Variant Classification Sherloc (09022015). Collection method: clinical testing. Allele origin: germline.
Comment: This sequence change replaces glycine, which is neutral and non-polar, with arginine, which is basic and polar, at codon 228 of the LAMA5 protein (p.Gly228Arg). The frequency data for this variant in the population databases is considered unreliable, as metrics indicate poor data quality at this position in the gnomAD database. This variant has not been reported in the literature in individuals affected with LAMA5-related conditions. ClinVar contains an entry for this variant (Variation ID: 1938421). An algorithm developed to predict the effect of missense changes on protein structure and function (PolyPhen-2) suggests that this variant is likely to be disruptive. In summary, the available evidence is currently insufficient to determine the role of this variant in disease. Therefore, it has been classified as a Variant of Uncertain Significance.